The following is an entry in ClinVar:

ClinVar aggregate classification (germline): Uncertain significance (1 of 4 stars; one submission).

Conditions:
Idiopathic generalized epilepsy. Also called: EIG; Generalised epilepsy. Identifiers: MedGen C0270850, MONDO:0005579, OMIM 600669.

gnomAD v4.1: 3 of 1,608,224 alleles (0.00019%); highest among the groups gnomAD compares: East Asian, 0.0067%; no homozygotes.

Submission:

Labcorp Genetics (formerly Invitae), Labcorp
Classification: Uncertain significance for Idiopathic generalized epilepsy. Last evaluated: 2025-10-11. Review status: criteria provided, single submitter. Criteria: Invitae Variant Classification Sherloc (09022015). Collection method: clinical testing. Allele origin: germline.
Comment: This sequence change replaces methionine, which is neutral and non-polar, with isoleucine, which is neutral and non-polar, at codon 273 of the RBFOX1 protein (p.Met273Ile). This variant is not present in population databases (gnomAD no frequency). This variant has not been reported in the literature in individuals affected with RBFOX1-related conditions. An algorithm developed to predict the effect of missense changes on protein structure and function (PolyPhen-2) suggests that this variant is likely to be tolerated. In summary, the available evidence is currently insufficient to determine the role of this variant in disease. Therefore, it has been classified as a Variant of Uncertain Significance.

NM_018723.4(RBFOX1):c.759G>C (p.Met253Ile)

Gene: RBFOX1 (RNA binding fox-1 homolog 1; plus strand). Cytogenetic location: 16p13.3.
Variant type: single nucleotide variant.
Coding change: c.759G>C on transcript NM_018723.4 (MANE Select); coding-DNA position 759, G replaced by C.
Protein change: p.Met253Ile; replaces methionine 253 with isoleucine.
Molecular consequence: missense variant. On other transcripts: synonymous variant (13).
Genome position (GRCh38, 1-based): chr16:7,653,816, G>C. VCF-style: chr16-7653816-G-C. GRCh37 (hg19) VCF-style: chr16-7703818-G-C.
Other names: c.693G>C, p.Val231= (NM_001415912.1); c.753G>C, p.Val251= (NM_001415913.1, NM_001415903.1); c.714G>C, p.Val238= (NM_001415914.1); c.738G>C, p.Val246= (NM_001415915.1, NM_001415906.1); c.666G>C, p.Met222Ile (NM_001415916.1); c.684G>C, p.Val228= (NM_001415917.1); c.819G>C, p.Met273Ile (NM_145891.3, NM_145892.3, NM_145893.3 and 2 more transcripts); c.774G>C, p.Met258Ile (NM_001415910.1); and 12 more; short protein forms M289I, M296I, M253I, M265I, M247I, M255I, M258I, M278I.
Identifiers: ClinVar variation 4773526 (VCV004773526.1).